The following is an entry in ClinVar:

NM_198173.3(GRHL3):c.879A>G (p.Pro293=)

Gene: GRHL3 (grainyhead like transcription factor 3; plus strand). Cytogenetic location: 1p36.11.
Variant type: single nucleotide variant.
Coding change: c.879A>G on transcript NM_198173.3 (MANE Select); coding-DNA position 879, A replaced by G.
Protein change: p.Pro293=; no amino-acid change (proline 293 retained).
Molecular consequence: synonymous variant.
Genome position (GRCh38, 1-based): chr1:24,338,030, A>G. VCF-style: chr1-24338030-A-G. GRCh37 (hg19) VCF-style: chr1-24664520-A-G.
Other names: c.741A>G, p.Pro247= (NM_001195010.2); c.894A>G, p.Pro298= (NM_021180.4); c.879A>G, p.Pro293= (NM_198174.3).
Identifiers: ClinVar variation 3045146 (VCV003045146.2), dbSNP rs149165410, ClinGen allele CA690024.
Genomic context (GRCh38, chr1:24,338,030, plus strand): 5'-CTGTGACCAACTGTGCTTGCAGAGTGTGGTGATGGTTGTCTTCGACAATGAGAAGGTCCC[A>G]GTAGAGCAGCTGCGCTTCTGGAAGCACTGGCATTCCCGGCAACCCACTGCCAAGCAGCGG-3'
Protein context (NP_937816.1, residues 283-303): VMVVFDNEKV[Pro293=]VEQLRFWKHW

ClinVar aggregate classification (germline): Likely benign (0 of 4 stars; one submission).

Conditions:
GRHL3-related disorder. Also called: GRHL3-related condition.

Allele frequency attached by ClinVar (database versions not stated): gnomAD exomes below 0.00001; ExAC 0.00002; gnomAD 0.00002; TOPMed 0.00003; ESP Exome Variant Server 0.00008.
gnomAD v4.1: 5 of 1,613,012 alleles (0.00031%); highest among the groups gnomAD compares: African/African-American, 0.0067%; no homozygotes.

Submission:

PreventionGenetics, part of Exact Sciences
Classification: Likely benign for GRHL3-related condition. Last evaluated: 2022-05-06. Review status: no assertion criteria provided. Collection method: clinical testing. Allele origin: germline.
Comment: This variant is classified as likely benign based on ACMG/AMP sequence variant interpretation guidelines (Richards et al. 2015 PMID: 25741868, with internal and published modifications).